The following is an entry in ClinVar:

ClinVar aggregate classification (germline): Likely pathogenic (1 of 4 stars; one submission).

Submission:

Labcorp Genetics (formerly Invitae), Labcorp
Classification: Likely pathogenic. Last evaluated: 2023-04-09. Review status: criteria provided, single submitter. Criteria: Invitae Variant Classification Sherloc (09022015). Collection method: clinical testing. Allele origin: germline.
Comment: In summary, the currently available evidence indicates that the variant is pathogenic, but additional data are needed to prove that conclusively. Therefore, this variant has been classified as Likely Pathogenic. Algorithms developed to predict the effect of sequence changes on RNA splicing suggest that this variant may disrupt the consensus splice site. This variant has not been reported in the literature in individuals affected with TTC37-related conditions. This variant is not present in population databases (gnomAD no frequency). This sequence change affects a donor splice site in intron 26 of the TTC37 gene. It is expected to disrupt RNA splicing. Variants that disrupt the donor or acceptor splice site typically lead to a loss of protein function (PMID: 16199547), and loss-of-function variants in TTC37 are known to be pathogenic (PMID: 20176027, 21120949).

Literature cited by the submitters: PubMed 16199547; PubMed 20176027; PubMed 21120949.

NM_014639.4(SKIC3):c.2703+1G>C

Gene: SKIC3 (SKI3 subunit of superkiller complex; minus strand). Cytogenetic location: 5q15.
Variant type: single nucleotide variant.
Coding change: c.2703+1G>C on transcript NM_014639.4 (MANE Select); the canonical splice donor site of the intron after coding-DNA position 2703, G replaced by C.
Molecular consequence: splice donor variant.
Genome position (GRCh38, 1-based): chr5:95,514,854, C>G on the plus strand (G>C on the coding strand, the complement: SKIC3 is on the minus strand). VCF-style: chr5-95514854-C-G. GRCh37 (hg19) VCF-style: chr5-94850558-C-G.
Identifiers: ClinVar variation 2853804 (VCV002853804.3), dbSNP rs980887204, ClinGen allele CA360456148.